The following is an entry in ClinVar:

ClinVar aggregate classification (germline): Conflicting classifications of pathogenicity. Review status: criteria provided, conflicting classifications (1 of 4 stars). 5 submissions from 5 submitters: Uncertain significance (3); Likely benign (1). 1 of the submissions does not count toward it. Last evaluated 2025-10-22.

Conditions:
Prostate cancer, hereditary, 9 (HPC9). Identifiers: Orphanet 1331, MedGen C1970250, MONDO:0012597, OMIM 610997.
Hereditary cancer-predisposing syndrome. Also called: Neoplastic Syndromes, Hereditary; Tumor predisposition; Hereditary Cancer Syndrome; Hereditary neoplastic syndrome. Identifiers: Orphanet 140162, MedGen C0027672, MeSH D009386, MONDO:0015356.
HOXB13-related disorder. Also called: HOXB13-related condition; HOXB13-related disorders.

Allele frequency attached by ClinVar (database versions not stated): ExAC 0.00001; gnomAD exomes 0.00001; TOPMed 0.00001; gnomAD 0.00002 and 0.00003.
gnomAD v4.1: 18 of 1,614,014 alleles (0.0011%); highest among the groups gnomAD compares: African/African-American, 0.004%; no homozygotes.

Submissions (5):

Labcorp Genetics (formerly Invitae), Labcorp
Classification: Uncertain significance. Last evaluated: 2025-10-22. Review status: criteria provided, single submitter. Criteria: Invitae Variant Classification Sherloc (09022015). Collection method: clinical testing. Allele origin: germline.
Comment: This sequence change replaces alanine, which is neutral and non-polar, with valine, which is neutral and non-polar, at codon 101 of the HOXB13 protein (p.Ala101Val). The frequency data for this variant in the population databases is considered unreliable, as metrics indicate poor data quality at this position in the gnomAD database. This variant has not been reported in the literature in individuals affected with HOXB13-related conditions. ClinVar contains an entry for this variant (Variation ID: 483482). Invitae Evidence Modeling of protein sequence and biophysical properties (such as structural, functional, and spatial information, amino acid conservation, physicochemical variation, residue mobility, and thermodynamic stability) indicates that this missense variant is not expected to disrupt HOXB13 protein function with a negative predictive value of 80%. In summary, the available evidence is currently insufficient to determine the role of this variant in disease. Therefore, it has been classified as a Variant of Uncertain Significance.

Ambry Genetics
Classification: Likely benign for Hereditary cancer-predisposing syndrome. Last evaluated: 2025-09-24. Review status: criteria provided, single submitter. Criteria: Ambry Variant Classification Scheme 2023. Collection method: clinical testing. Allele origin: germline.

Fulgent Genetics
Classification: Uncertain significance for Prostate cancer, hereditary, 9. Last evaluated: 2024-06-08. Review status: criteria provided, single submitter. Criteria: ACMG Guidelines, 2015. Collection method: clinical testing. Allele origin: germline.

GeneDx
Classification: Uncertain significance. Last evaluated: 2023-10-30. Review status: criteria provided, single submitter. Criteria: GeneDx Variant Classification Process June 2021. Collection method: clinical testing. Allele origin: germline. Affected: yes.
Comment: Not observed at significant frequency in large population cohorts (gnomAD); In silico analysis supports that this missense variant does not alter protein structure/function; Has not been previously published as pathogenic or benign to our knowledge

PreventionGenetics, part of Exact Sciences
Classification: Uncertain significance for HOXB13-related condition. Last evaluated: 2024-08-02. Review status: no assertion criteria provided. Collection method: clinical testing. Allele origin: germline. Not counted in ClinVar's aggregate classification.
Comment: The HOXB13 c.302C>T variant is predicted to result in the amino acid substitution p.Ala101Val. To our knowledge, this variant has not been reported in the literature. This variant is reported in 0.012% of alleles in individuals of African descent in gnomAD and is classified as a variant of uncertain significance by multiple labs in ClinVar. At this time, the clinical significance of this variant is uncertain due to the absence of conclusive functional and genetic evidence.

NM_006361.6(HOXB13):c.302C>T (p.Ala101Val)

Gene: HOXB13 (homeobox B13; minus strand). Cytogenetic location: 17q21.32.
Variant type: single nucleotide variant.
Coding change: c.302C>T on transcript NM_006361.6 (MANE Select); coding-DNA position 302, C replaced by T.
Protein change: p.Ala101Val; replaces alanine 101 with valine.
Molecular consequence: missense variant.
Genome position (GRCh38, 1-based): chr17:48,728,292, G>A on the plus strand (C>T on the coding strand, the complement: HOXB13 is on the minus strand). VCF-style: chr17-48728292-G-A. GRCh37 (hg19) VCF-style: chr17-46805654-G-A.
Other names: short protein forms A101V.
Identifiers: ClinVar variation 483482 (VCV000483482.19), dbSNP rs763448911, ClinGen allele CA8634022.